The following is an entry in ClinVar:

ClinVar aggregate classification (germline): Uncertain significance (1 of 4 stars; one submission).

Conditions:
Familial adenomatous polyposis 1 (FAP1). Also called: POLYPOSIS, ADENOMATOUS INTESTINAL; FAMILIAL ADENOMATOUS POLYPOSIS 1, ATTENUATED. Identifiers: MedGen C2713442, MONDO:0021056, OMIM 175100. Disease mechanism: loss of function.

Submission:

Labcorp Genetics (formerly Invitae), Labcorp
Classification: Uncertain significance for Familial adenomatous polyposis 1. Last evaluated: 2023-10-10. Review status: criteria provided, single submitter. Criteria: Invitae Variant Classification Sherloc (09022015). Collection method: clinical testing. Allele origin: germline.
Comment: This variant results in a copy number gain of the genomic region encompassing exon(s) 12-16 of the APC gene. This region includes the termination codon of the gene. This copy number gain extends beyond the assayed region for this gene and therefore may encompass additional genes. As the precise location of this event is unknown, it may be in tandem or it may be located elsewhere in the genome. This variant has not been reported in the literature in individuals affected with APC-related conditions. In summary, the available evidence is currently insufficient to determine the role of this variant in disease. Therefore, it has been classified as a Variant of Uncertain Significance.

NC_000005.9:g.(?_112162795)_(112179823_?)dup

Gene: APC (APC regulator of Wnt signaling pathway; plus strand). Cytogenetic location: 5q22.2.
Variant type: Duplication.
Identifiers: ClinVar variation 1022171 (VCV001022171.44).